The following is an entry in ClinVar:

ClinVar aggregate classification (germline): Pathogenic (1 of 4 stars; one submission).

Conditions:
Inborn genetic diseases. Identifiers: MedGen C0950123, MeSH D030342.

Submission:

Ambry Genetics
Classification: Pathogenic for Inborn genetic diseases. Last evaluated: 2026-01-20. Review status: criteria provided, single submitter. Criteria: Ambry Variant Classification Scheme 2023. Collection method: clinical testing. Allele origin: germline.
Comment: The c.1296_1300delACAAA (p.Q433Rfs*11) alteration, located in exon 9 (coding exon 9) of the MED12L gene, consists of a deletion of 5 nucleotides from position 1296 to 1300, causing a translational frameshift with a predicted alternate stop codon after 11 amino acids. This alteration is expected to result in loss of function by premature protein truncation or nonsense-mediated mRNA decay. This variant was not reported in population-based cohorts in the Genome Aggregation Database (gnomAD). Based on the available evidence, this alteration is classified as pathogenic.

NM_001393769.1(MED12L):c.1296_1300del (p.Gln433fs)

Gene: MED12L (mediator complex subunit 12L; plus strand). Cytogenetic location: 3q25.1.
Variant type: Deletion.
Coding change: c.1296_1300del on transcript NM_001393769.1 (MANE Select); coding-DNA positions 1296 to 1300, 5 bases deleted (ACAAA; older notation c.1296_1300delACAAA).
Protein change: p.Gln433fs; shifts the reading frame from glutamine 433.
Molecular consequence: frameshift variant.
Genome position (GRCh38, 1-based): chr3:151,165,458-151,165,462, ACAAA deleted; deleting any 5 consecutive bases within chr3:151,165,455-151,165,462 gives the same sequence; the c. name uses the placement nearest the transcript's 3' end. VCF-style (leftmost placement, unchanged base first): chr3-151165454-TAAAAC-T. GRCh37 (hg19) VCF-style: chr3-150883241-TAAAAC-T.
Other names: c.1296_1300del, p.Gln433fs (NM_053002.6); short protein forms Q433fs.
Identifiers: ClinVar variation 4839141 (VCV004839141.1).